The following is an entry in ClinVar:

NM_003107.3(SOX4):c.1012A>G (p.Ser338Gly)

Gene: SOX4 (SRY-box transcription factor 4; plus strand). Cytogenetic location: 6p22.3.
Variant type: single nucleotide variant.
Coding change: c.1012A>G on transcript NM_003107.3 (MANE Select); coding-DNA position 1012, A replaced by G.
Protein change: p.Ser338Gly; replaces serine 338 with glycine.
Molecular consequence: missense variant.
Genome position (GRCh38, 1-based): chr6:21,595,546, A>G. VCF-style: chr6-21595546-A-G. GRCh37 (hg19) VCF-style: chr6-21595777-A-G.
Other names: short protein forms S338G.
Identifiers: ClinVar variation 2656280 (VCV002656280.25), dbSNP rs553092038, ClinGen allele CA3653688.

ClinVar aggregate classification (germline): Likely benign. Review status: criteria provided, multiple submitters, no conflicts (2 of 4 stars). 2 submissions from 2 submitters: Likely benign (2). Last evaluated 2025-04-01.

Conditions:
Coffin-Siris syndrome 10. Also called: INTELLECTUAL DEVELOPMENTAL DISORDER WITH SPEECH DELAY AND DYSMORPHIC FACIES. Identifiers: MedGen C4760583, MONDO:0032791, OMIM 618506.

Allele frequency attached by ClinVar (database versions not stated): 1000 Genomes Project 0.00040; 1000 Genomes Project 30x 0.00109; gnomAD 0.00188; gnomAD exomes 0.00242; TOPMed 0.00246.
gnomAD v4.1: 2,865 of 1,211,338 alleles (0.24%); highest among the groups gnomAD compares: Admixed American, 0.4%; 5 homozygotes.

Submissions (2):

CeGaT Center for Human Genetics Tuebingen
Classification: Likely benign. Last evaluated: 2025-04-01. Review status: criteria provided, single submitter. Criteria: CeGaT Center For Human Genetics Tuebingen Variant Classification Criteria Version 2. Collection method: clinical testing. Allele origin: germline. Affected: yes. Observed: 2 variant alleles.
Comment: SOX4: PP3, BS1

Department of Pathology and Laboratory Medicine, Sinai Health System
Classification: Likely benign for Coffin-Siris syndrome 10. Last evaluated: 2021-07-30. Review status: criteria provided, single submitter. Criteria: ACMG Guidelines, 2015. Collection method: research. Allele origin: germline.